The following is an entry in ClinVar:

NM_000297.4(PKD2):c.2020-2A>G

Gene: PKD2 (polycystin 2, transient receptor potential cation channel; plus strand). Cytogenetic location: 4q22.1.
Variant type: single nucleotide variant.
Coding change: c.2020-2A>G on transcript NM_000297.4 (MANE Select); the canonical splice acceptor site of the intron before coding-DNA position 2020, A replaced by G.
Molecular consequence: splice acceptor variant.
Genome position (GRCh38, 1-based): chr4:88,061,904, A>G. VCF-style: chr4-88061904-A-G. GRCh37 (hg19) VCF-style: chr4-88983056-A-G.
Identifiers: ClinVar variation 1973472 (VCV001973472.7), dbSNP rs2475970000, ClinGen allele CA357623473.
Genomic context (GRCh38, chr4:88,061,904, plus strand): 5'-GATTGATAATTCCAAATTATGTTTCTTCCTTTAATTTTTGCCCTCCTTTCATTTACAAAC[A>G]GAATATGTTTTTGGCTATCATCAATGATACTTACTCTGAAGTGAAATCTGACTTGGCACA-3'

ClinVar aggregate classification (germline): Likely pathogenic. Review status: criteria provided, multiple submitters, no conflicts (2 of 4 stars). 3 submissions from 3 submitters: Likely pathogenic (3). Last evaluated 2024-06-12.

Conditions:
Autosomal dominant polycystic kidney disease. Identifiers: Orphanet 730, MedGen C0085413, MONDO:0004691.
Polycystic kidney disease 2 (PKD2). Also called: POLYCYSTIC KIDNEY DISEASE 2 WITH OR WITHOUT POLYCYSTIC LIVER DISEASE; Polycystic Kidney Disease 2, Autosomal Dominant; POLYCYSTIC KIDNEY DISEASE, ADULT, TYPE II. Identifiers: MedGen C2751306, MONDO:0013131, OMIM 613095.
PKD2-related disorder. Also called: PKD2-related condition.

Submissions (3):

Fulgent Genetics
Classification: Likely pathogenic for Polycystic kidney disease 2. Last evaluated: 2024-06-12. Review status: criteria provided, single submitter. Criteria: ACMG Guidelines, 2015. Collection method: clinical testing. Allele origin: germline.

Labcorp Genetics (formerly Invitae), Labcorp
Classification: Likely pathogenic for Autosomal dominant polycystic kidney disease. Last evaluated: 2022-02-12. Review status: criteria provided, single submitter. Criteria: Invitae Variant Classification Sherloc (09022015). Collection method: clinical testing. Allele origin: germline.
Comment: This variant has not been reported in the literature in individuals affected with PKD2-related conditions. Algorithms developed to predict the effect of sequence changes on RNA splicing suggest that this variant may disrupt the consensus splice site. In summary, the currently available evidence indicates that the variant is pathogenic, but additional data are needed to prove that conclusively. Therefore, this variant has been classified as Likely Pathogenic. This variant is not present in population databases (gnomAD no frequency). This sequence change affects an acceptor splice site in intron 9 of the PKD2 gene. It is expected to disrupt RNA splicing. Variants that disrupt the donor or acceptor splice site typically lead to a loss of protein function (PMID: 16199547), and loss-of-function variants in PKD2 are known to be pathogenic (PMID: 17582161, 22863349).

Blueprint Genetics
Classification: Likely pathogenic for PKD2-related disorders. Last evaluated: 2020-03-18. Review status: criteria provided, single submitter. Criteria: ACMG Guidelines, 2015. Collection method: clinical testing. Allele origin: germline. Affected: yes. Observed: 1 variant allele.

Literature cited by the submitters: PubMed 16199547 (cited by Labcorp Genetics (formerly Invitae), Labcorp); PubMed 17582161 (cited by Labcorp Genetics (formerly Invitae), Labcorp); PubMed 22863349 (cited by Labcorp Genetics (formerly Invitae), Labcorp).